The following is an entry in ClinVar:

NM_000417.3(IL2RA):c.693G>A (p.Glu231=)

Gene: IL2RA (interleukin 2 receptor subunit alpha; minus strand). Cytogenetic location: 10p15.1.
Variant type: single nucleotide variant.
Coding change: c.693G>A on transcript NM_000417.3 (MANE Select); coding-DNA position 693, G replaced by A.
Protein change: p.Glu231=; no amino-acid change (glutamic acid 231 retained).
Molecular consequence: synonymous variant.
Genome position (GRCh38, 1-based): chr10:6,019,462, C>T on the plus strand (G>A on the coding strand, the complement: IL2RA is on the minus strand). VCF-style: chr10-6019462-C-T. GRCh37 (hg19) VCF-style: chr10-6061425-C-T.
Other names: p.Glu231=; c.477G>A, p.Glu159= (NM_001308242.2); c.405G>A, p.Glu135= (NM_001308243.2).
Identifiers: ClinVar variation 732865 (VCV000732865.17), dbSNP rs139266750, ClinGen allele CA5397348.
Genomic context (GRCh38, chr10:6,019,462, plus strand): 5'-GTCCACAAAGCCAGTGCCCCACTCACCTGCTACCTGGTACTCTGTTGTAAATATGGACGT[C>T]TCCATGGTTGCAGCCATTTCTGTCTGTATTTGAAAATCTGTGAAAAAGAGATAAAGAGAG-3'
Protein context (NP_000408.1, residues 221-241): QIQTEMAATM[Glu231=]TSIFTTEYQV

ClinVar aggregate classification (germline): Conflicting classifications of pathogenicity. Review status: criteria provided, conflicting classifications (1 of 4 stars). 4 submissions from 4 submitters: Uncertain significance (1); Likely benign (3). Last evaluated 2026-02-01.

Conditions:
Immunodeficiency due to CD25 deficiency. Also called: CD25 DEFICIENCY; IL2RA DEFICIENCY; IMMUNODEFICIENCY 41 WITH LYMPHOPROLIFERATION AND AUTOIMMUNITY. Identifiers: Orphanet 169100, MedGen C1853392, MONDO:0011664, OMIM 606367.

Allele frequency attached by ClinVar (database versions not stated): ExAC 0.00004; gnomAD exomes 0.00004; ESP Exome Variant Server 0.00008; gnomAD 0.00008; TOPMed 0.00008.
gnomAD v4.1: 204 of 1,613,660 alleles (0.013%); highest among the groups gnomAD compares: Non-Finnish European, 0.016%; no homozygotes.

Submissions (4):

Labcorp Genetics (formerly Invitae), Labcorp
Classification: Likely benign for Immunodeficiency due to CD25 deficiency. Last evaluated: 2026-02-01. Review status: criteria provided, single submitter. Criteria: Invitae Variant Classification Sherloc (09022015). Collection method: clinical testing. Allele origin: germline.

Mayo Clinic Laboratories, Mayo Clinic
Classification: Likely benign. Last evaluated: 2025-08-12. Review status: criteria provided, single submitter. Criteria: ACMG Guidelines, 2015. Collection method: clinical testing. Allele origin: germline. Observed: 1 variant allele.
Comment: BP4, BP7

Blueprint Genetics
Classification: Likely benign. Last evaluated: 2022-05-03. Review status: criteria provided, single submitter. Criteria: ACMG Guidelines, 2015. Collection method: clinical testing. Allele origin: germline.

Illumina Laboratory Services, Illumina
Classification: Uncertain significance for Immunodeficiency due to CD25 deficiency. Last evaluated: 2017-04-27. Review status: criteria provided, single submitter. Criteria: ICSL Variant Classification Criteria 13 December 2019. Collection method: clinical testing. Allele origin: germline.